The following is an entry in ClinVar:

ClinVar aggregate classification (germline): Likely benign (1 of 4 stars; one submission).

gnomAD v4.1: 167 of 1,613,436 alleles (0.01%); highest among the groups gnomAD compares: South Asian, 0.17%; 2 homozygotes.

Submission:

CeGaT Center for Human Genetics Tuebingen
Classification: Likely benign. Last evaluated: 2025-02-01. Review status: criteria provided, single submitter. Criteria: CeGaT Center For Human Genetics Tuebingen Variant Classification Criteria Version 2. Collection method: clinical testing. Allele origin: germline. Affected: yes. Observed: 1 variant allele.
Comment: DLG4: BP4, BS1

NM_001365.5(DLG4):c.-1G>A

Genes: ACADVL (acyl-CoA dehydrogenase very long chain; plus strand), DLG4 (discs large MAGUK scaffold protein 4; minus strand). Cytogenetic location: 17p13.1.
Variant type: single nucleotide variant.
Coding change: c.-1G>A on transcript NM_001365.5 (MANE Plus Clinical); 1 bases upstream of the start codon, G replaced by A.
Molecular consequence: 5 prime UTR variant. On other transcripts: non-coding transcript variant (1), intron variant (1).
Genome position (GRCh38, 1-based): chr17:7,218,850, C>T on the plus strand (G>A on the coding strand, the complement: DLG4 is on the minus strand). VCF-style: chr17-7218850-C-T. GRCh37 (hg19) VCF-style: chr17-7122169-C-T.
Other names: c.-1G>A (NM_001321074.1); c.131+1032C>T (NM_001270447.2).
Identifiers: ClinVar variation 3771375 (VCV003771375.13).